The following is an entry in ClinVar:

ClinVar aggregate classification (germline): Benign/Likely benign. Review status: criteria provided, multiple submitters, no conflicts (2 of 4 stars). 7 submissions from 6 submitters: Benign (6); Likely benign (1). Last evaluated 2026-02-04.

Conditions:
Autosomal dominant mendelian susceptibility to mycobacterial diseases due to partial IFNgammaR1 deficiency. Also called: Immunodeficiency 27b; IMMUNODEFICIENCY 27B, MYCOBACTERIOSIS, AUTOSOMAL DOMINANT; IFNGR1 DEFICIENCY, AUTOSOMAL DOMINANT. Identifiers: Orphanet 319581, MedGen C4014863, MONDO:0014429, OMIM 615978.
Disseminated atypical mycobacterial infection. Identifiers: MedGen C0694566.
Immunodeficiency 27A (IMD27A). Also called: IMMUNODEFICIENCY 27A, MYCOBACTERIOSIS, AUTOSOMAL RECESSIVE; IFNGR1 DEFICIENCY, AUTOSOMAL RECESSIVE. Identifiers: Orphanet 319569, Orphanet 99898, MedGen C4011949, MONDO:0008856, OMIM 209950.

Allele frequency attached by ClinVar (database versions not stated): gnomAD exomes 0.40552; ESP Exome Variant Server 0.42821; TOPMed 0.43467; ExAC 0.48337; 1000 Genomes Project 30x 0.50156; 1000 Genomes Project 0.50240.
gnomAD v4.1: 656,465 of 1,602,902 alleles (41%); highest among the groups gnomAD compares: South Asian, 61%; 138,242 homozygotes.

Submissions (7):

Labcorp Genetics (formerly Invitae), Labcorp
Classification: Benign for Disseminated atypical mycobacterial infection. Last evaluated: 2026-02-04. Review status: criteria provided, single submitter. Criteria: Invitae Variant Classification Sherloc (09022015). Collection method: clinical testing. Allele origin: germline.

Blueprint Genetics
Classification: Likely benign. Last evaluated: 2024-11-27. Review status: criteria provided, single submitter. Criteria: ACMG Guidelines, 2015. Collection method: clinical testing. Allele origin: germline.

Unidad de Genómica Garrahan, Hospital de Pediatría Garrahan
Classification: Benign. Last evaluated: 2024-01-24. Review status: criteria provided, single submitter. Criteria: ACMG Guidelines, 2015. Collection method: clinical testing. Allele origin: germline. Affected: no. Observed: 56 variant alleles.
Comment: This variant is classified as Benign based on local population frequency. This variant was detected in 64% of patients studied by a panel of primary immunodeficiencies. Number of patients: 56. Only high quality variants are reported.

Genome-Nilou Lab
Classification: Benign for Immunodeficiency 27A. Last evaluated: 2021-08-10. Review status: criteria provided, single submitter. Criteria: ACMG Guidelines, 2015. Collection method: clinical testing. Allele origin: germline. Affected: no.

Genome-Nilou Lab
Classification: Benign for Autosomal dominant mendelian susceptibility to mycobacterial diseases due to partial IFNgammaR1 deficiency. Last evaluated: 2021-08-10. Review status: criteria provided, single submitter. Criteria: ACMG Guidelines, 2015. Collection method: clinical testing. Allele origin: germline. Affected: no.

Illumina Laboratory Services, Illumina
Classification: Benign for Immunodeficiency 27A. Last evaluated: 2018-01-12. Review status: criteria provided, single submitter. Criteria: ICSL Variant Classification Criteria 13 December 2019. Collection method: clinical testing. Allele origin: germline.
Comment: This variant was observed in the ICSL laboratory as part of a predisposition screen in an ostensibly healthy population. It had not been previously curated by ICSL or reported in the Human Gene Mutation Database (HGMD: prior to June 1st, 2018), and was therefore a candidate for classification through an automated scoring system. Utilizing variant allele frequency, disease prevalence and penetrance estimates, and inheritance mode, an automated score was calculated to assess if this variant is too frequent to cause the disease. Based on the score and internal cut-off values, a variant classified as benign is not then subjected to further curation. The score for this variant resulted in a classification of benign for this disease.

Laboratory for Molecular Medicine, Mass General Brigham Personalized Medicine
Classification: Benign. Last evaluated: 2016-03-28. Review status: criteria provided, single submitter. Criteria: LMM Criteria. Collection method: clinical testing. Allele origin: germline.
Comment: Variant identified in a genome or exome case(s) and assessed due to predicted null impact of the variant or pathogenic assertions in the literature or databases. Disclaimer: This variant has not undergone full assessment. The following are preliminary notes: Frequency

NM_000416.3(IFNGR1):c.85+10T>C

Gene: IFNGR1 (interferon gamma receptor 1; minus strand). Cytogenetic location: 6q23.3.
Variant type: single nucleotide variant.
Coding change: c.85+10T>C on transcript NM_000416.3 (MANE Select); 10 bases into the intron after coding-DNA position 85, T replaced by C.
Molecular consequence: intron variant.
Genome position (GRCh38, 1-based): chr6:137,219,233, A>G on the plus strand (T>C on the coding strand, the complement: IFNGR1 is on the minus strand). VCF-style: chr6-137219233-A-G. GRCh37 (hg19) VCF-style: chr6-137540370-A-G.
Identifiers: ClinVar variation 355562 (VCV000355562.22), dbSNP rs7749390, ClinGen allele CA4019089.